The following is an entry in ClinVar:

ClinVar aggregate classification (germline): Likely pathogenic. Review status: criteria provided, multiple submitters, no conflicts (2 of 4 stars). 2 submissions from 2 submitters: Likely pathogenic (2). Last evaluated 2023-04-24.

Conditions:
TTN-related disorder. Also called: TTN-related condition; TTN-related disease; TTN-related disorders.
Dilated cardiomyopathy 1G (CMD1G). Identifiers: Orphanet 154, MedGen C1858763, MONDO:0011400, OMIM 604145.
Autosomal recessive limb-girdle muscular dystrophy type 2J (LGMDR10). Also called: MUSCULAR DYSTROPHY, LIMB-GIRDLE, AUTOSOMAL RECESSIVE 10; Limb-girdle muscular dystrophy, type 2J. Identifiers: Orphanet 140922, MedGen C1837342, MONDO:0012127, OMIM 608807.

Submissions (2):

Labcorp Genetics (formerly Invitae), Labcorp
Classification: Likely pathogenic for Dilated cardiomyopathy 1G; Autosomal recessive limb-girdle muscular dystrophy type 2J. Last evaluated: 2023-04-24. Review status: criteria provided, single submitter. Criteria: Invitae Variant Classification Sherloc (09022015). Collection method: clinical testing. Allele origin: germline.
Comment: ClinVar contains an entry for this variant (Variation ID: 1481198). This sequence change creates a premature translational stop signal (p.Lys28692Asnfs*21) in the TTN gene. While this is not anticipated to result in nonsense mediated decay, it is expected to create a truncated TTN protein. This variant is not present in population databases (gnomAD no frequency). This variant has not been reported in the literature in individuals affected with TTN-related conditions. This variant is located in the A band of TTN (PMID: 25589632). Truncating variants in this region are significantly overrepresented in patients affected with dilated cardiomyopathy (PMID: 25589632). Truncating variants in this region have also been reported in individuals affected with autosomal recessive centronuclear myopathy (PMID: 23975875). In summary, the currently available evidence indicates that the variant is pathogenic, but additional data are needed to prove that conclusively. Therefore, this variant has been classified as Likely Pathogenic.

Blueprint Genetics
Classification: Likely pathogenic for TTN-related disorders. Last evaluated: 2022-09-09. Review status: criteria provided, single submitter. Criteria: ACMG Guidelines, 2015. Collection method: clinical testing. Allele origin: germline. Affected: yes. Observed: 1 variant allele.

Literature cited by the submitters: PubMed 25589632 (cited by Labcorp Genetics (formerly Invitae), Labcorp); PubMed 23975875 (cited by Labcorp Genetics (formerly Invitae), Labcorp).

NM_001267550.2(TTN):c.86076del (p.Lys28692fs)

Genes: TTN (titin; minus strand), TTN-AS1 (TTN antisense RNA 1; plus strand). Cytogenetic location: 2q31.2.
Variant type: Deletion.
Coding change: c.86076del on transcript NM_001267550.2 (MANE Select); coding-DNA position 86076, one base deleted (A; older notation c.86076delA).
Protein change: p.Lys28692fs; shifts the reading frame from lysine 28692.
Molecular consequence: frameshift variant.
Genome position (GRCh38, 1-based): chr2:178,560,056, T deleted on the plus strand (A on the coding strand, the reverse complement: TTN is on the minus strand); the first of 6 consecutive T bases (chr2:178,560,056-178,560,061); deleting any one gives the same sequence. VCF-style (leftmost placement, unchanged base first): chr2-178560055-AT-A. GRCh37 (hg19) VCF-style: chr2-179424782-AT-A.
Other names: c.81153del, p.Lys27051fs (NM_001256850.1); c.58881del, p.Lys19627fs (NM_003319.4); c.78372del, p.Lys26124fs (NM_133378.4); c.59256del, p.Lys19752fs (NM_133432.3); c.59457del, p.Lys19819fs (NM_133437.4); short protein forms K19752fs, K19819fs, K19627fs, K26124fs, K27051fs, K28692fs.
Identifiers: ClinVar variation 1481198 (VCV001481198.9), dbSNP rs1285329277, ClinGen allele CA1310526890.